The following is an entry in ClinVar:

ClinVar aggregate classification (germline): Uncertain significance. Review status: criteria provided, multiple submitters, no conflicts (2 of 4 stars). 2 submissions from 2 submitters: Uncertain significance (2). Last evaluated 2025-01-30.

Conditions:
Familial melanoma. Also called: Hereditary melanoma; Hereditary cutaneous melanoma. Identifiers: Orphanet 618, MedGen C1512419, MONDO:0018961.
Hereditary cancer-predisposing syndrome. Also called: Neoplastic Syndromes, Hereditary; Tumor predisposition; Hereditary Cancer Syndrome; Hereditary neoplastic syndrome. Identifiers: Orphanet 140162, MedGen C0027672, MeSH D009386, MONDO:0015356.

Submissions (2):

Labcorp Genetics (formerly Invitae), Labcorp
Classification: Uncertain significance for Familial melanoma. Last evaluated: 2025-01-30. Review status: criteria provided, single submitter. Criteria: Invitae Variant Classification Sherloc (09022015). Collection method: clinical testing. Allele origin: germline.
Comment: This sequence change replaces arginine, which is basic and polar, with cysteine, which is neutral and slightly polar, at codon 55 of the CDK4 protein (p.Arg55Cys). This variant is not present in population databases (gnomAD no frequency). This variant has not been reported in the literature in individuals affected with CDK4-related conditions. ClinVar contains an entry for this variant (Variation ID: 483299). Invitae Evidence Modeling of protein sequence and biophysical properties (such as structural, functional, and spatial information, amino acid conservation, physicochemical variation, residue mobility, and thermodynamic stability) indicates that this missense variant is expected to disrupt CDK4 protein function with a positive predictive value of 95%. In summary, the available evidence is currently insufficient to determine the role of this variant in disease. Therefore, it has been classified as a Variant of Uncertain Significance.

Ambry Genetics
Classification: Uncertain significance for Hereditary cancer-predisposing syndrome. Last evaluated: 2018-09-11. Review status: criteria provided, single submitter. Criteria: Ambry Variant Classification Scheme 2023. Collection method: clinical testing. Allele origin: germline.
Comment: The p.R55C variant (also known as c.163C>T), located in coding exon 1 of the CDK4 gene, results from a C to T substitution at nucleotide position 163. The arginine at codon 55 is replaced by cysteine, an amino acid with highly dissimilar properties. This amino acid position is highly conserved in available vertebrate species. In addition, this alteration is predicted to be deleterious by in silico analysis. Since supporting evidence is limited at this time, the clinical significance of this alteration remains unclear.

NM_000075.4(CDK4):c.163C>T (p.Arg55Cys)

Genes: CDK4 (cyclin dependent kinase 4; minus strand), LOC130008148 (ATAC-STARR-seq lymphoblastoid silent region 4588; plus strand). Cytogenetic location: 12q14.1.
Variant type: single nucleotide variant.
Coding change: c.163C>T on transcript NM_000075.4 (MANE Select); coding-DNA position 163, C replaced by T.
Protein change: p.Arg55Cys; replaces arginine 55 with cysteine.
Molecular consequence: missense variant.
Genome position (GRCh38, 1-based): chr12:57,751,555, G>A on the plus strand (C>T on the coding strand, the complement: CDK4 is on the minus strand). VCF-style: chr12-57751555-G-A. GRCh37 (hg19) VCF-style: chr12-58145338-G-A.
Other names: short protein forms R55C.
Identifiers: ClinVar variation 483299 (VCV000483299.7), dbSNP rs1555201372, ClinGen allele CA385548636.
Genomic context (GRCh38, chr12:57,751,555, plus strand): 5'-CTCACCGGACAACATTGGGATGCTCAAAAGCCTCCAGTCGCCTCAGTAAAGCCACCTCAC[G>A]AACTGTGCTGATGGGAAGGCCTCCTCCACCTCCTCCTCCATTGGGGACTCTCACACTCTT-3'
Protein context (NP_000066.1, residues 45-65): GGGGLPISTV[Arg55Cys]EVALLRRLEA